The following is an entry in ClinVar:

ClinVar aggregate classification (germline): Pathogenic (1 of 4 stars; one submission).

Conditions:
Niemann-Pick disease, type C1. Also called: NEUROVISCERAL STORAGE DISEASE WITH VERTICAL SUPRANUCLEAR OPHTHALMOPLEGIA; NIEMANN-PICK DISEASE WITH CHOLESTEROL ESTERIFICATION BLOCK; NIEMANN-PICK DISEASE WITHOUT SPHINGOMYELINASE DEFICIENCY; NIEMANN-PICK DISEASE, CHRONIC NEURONOPATHIC FORM; NIEMANN-PICK DISEASE, VARIANT TYPE C1. Identifiers: Orphanet 646, MedGen C3179455, MONDO:0009757, OMIM 257220.

Submission:

Myriad Genetics, Inc.
Classification: Pathogenic for Niemann-Pick disease, type C1. Last evaluated: 2024-06-27. Review status: criteria provided, single submitter. Criteria: Myriad Autosomal Dominant, Autosomal Recessive and X-Linked Classification Criteria (2023). Collection method: clinical testing. Allele origin: unknown.
Comment: NM_000271.4(NPC1):c.1512dupT(V505Cfs*21) is expected to be pathogenic in the context of Niemann-Pick disease type C1. This variant is predicted to lead to an abnormal or absent protein product due to the creation of a premature termination codon in NPC1, a gene where loss-of-function variants are known to be pathogenic. Please note: this variant was assessed in the context of healthy population screening.

NM_000271.5(NPC1):c.1512dup (p.Val505fs)

Gene: NPC1 (NPC intracellular cholesterol transporter 1; minus strand). Cytogenetic location: 18q11.2.
Variant type: Duplication.
Coding change: c.1512dup on transcript NM_000271.5 (MANE Select); coding-DNA position 1512, one base duplicated (T; older notation c.1512dupT).
Protein change: p.Val505fs; shifts the reading frame from valine 505.
Molecular consequence: frameshift variant.
Genome position (GRCh38, 1-based): chr18:23,554,799, A duplicated on the plus strand (T on the coding strand, the reverse complement: NPC1 is on the minus strand); the first of 3 consecutive A bases (chr18:23,554,799-23,554,801); duplicating any one gives the same sequence. VCF-style (leftmost placement, unchanged base first): chr18-23554798-C-CA. GRCh37 (hg19) VCF-style: chr18-21134762-C-CA.
Other names: short protein forms V505fs.
Identifiers: ClinVar variation 5013243 (VCV005013243.1).